The following is an entry in ClinVar:

ClinVar aggregate classification (germline): Uncertain significance. Review status: criteria provided, multiple submitters, no conflicts (2 of 4 stars). 2 submissions from 2 submitters: Uncertain significance (2). Last evaluated 2025-07-30.

Conditions:
Inborn genetic diseases. Identifiers: MedGen C0950123, MeSH D030342.

gnomAD v4.1: 6 of 1,209,154 alleles (0.0005%); highest among the groups gnomAD compares: Non-Finnish European, 0.00011%; no homozygotes.

Submissions (2):

Labcorp Genetics (formerly Invitae), Labcorp
Classification: Uncertain significance. Last evaluated: 2025-07-30. Review status: criteria provided, single submitter. Criteria: Invitae Variant Classification Sherloc (09022015). Collection method: clinical testing. Allele origin: germline.
Comment: This sequence change replaces proline, which is neutral and non-polar, with leucine, which is neutral and non-polar, at codon 272 of the MSN protein (p.Pro272Leu). The frequency data for this variant in the population databases is considered unreliable, as metrics indicate poor data quality at this position in the gnomAD database. This variant has not been reported in the literature in individuals affected with MSN-related conditions. ClinVar contains an entry for this variant (Variation ID: 3913847). An algorithm developed to predict the effect of missense changes on protein structure and function (PolyPhen-2) suggests that this variant is likely to be tolerated. In summary, the available evidence is currently insufficient to determine the role of this variant in disease. Therefore, it has been classified as a Variant of Uncertain Significance.

Ambry Genetics
Classification: Uncertain significance for Inborn genetic diseases. Last evaluated: 2025-04-08. Review status: criteria provided, single submitter. Criteria: Ambry Variant Classification Scheme 2023. Collection method: clinical testing. Allele origin: germline.

NM_002444.3(MSN):c.815C>T (p.Pro272Leu)

Gene: MSN (moesin; plus strand). Cytogenetic location: Xq12.
Variant type: single nucleotide variant.
Coding change: c.815C>T on transcript NM_002444.3 (MANE Select); coding-DNA position 815, C replaced by T.
Protein change: p.Pro272Leu; replaces proline 272 with leucine.
Molecular consequence: missense variant.
Genome position (GRCh38, 1-based): chrX:65,735,286, C>T. VCF-style: chrX-65735286-C-T. GRCh37 (hg19) VCF-style: chrX-64955148-C-T.
Other names: short protein forms P272L.
Identifiers: ClinVar variation 3913847 (VCV003913847.2).
Genomic context (GRCh38, chrX:65,735,286, plus strand): 5'-CTGTCCCTCCAAATTCTTTCTGATTGCTGATTTCCCACCAGGACTTCGTCTTCTATGCTC[C>T]CCGGCTGCGGATTAACAAGCGGATCTTGGCCTTGTGCATGGGGAACCATGAACTATACAT-3'
Protein context (NP_002435.1, residues 262-282): KKAPDFVFYA[Pro272Leu]RLRINKRILA